The following is an entry in ClinVar:

NM_001148.6(ANK2):c.7621C>T (p.Pro2541Ser)

Genes: ANK2 (ankyrin 2; plus strand), LOC126807137 (CDK7 strongly-dependent group 2 enhancer GRCh37_chr4:114276560-114277759; plus strand). Cytogenetic location: 4q26.
Variant type: single nucleotide variant.
Coding change: c.7621C>T on transcript NM_001148.6 (MANE Select); coding-DNA position 7621, C replaced by T.
Protein change: p.Pro2541Ser; replaces proline 2541 with serine.
Molecular consequence: missense variant. On other transcripts: intron variant (68).
Genome position (GRCh38, 1-based): chr4:113,356,239, C>T. VCF-style: chr4-113356239-C-T. GRCh37 (hg19) VCF-style: chr4-114277395-C-T.
Other names: c.7387C>T, p.Pro2463Ser (NM_001386142.1); c.4021C>T, p.Pro1341Ser (NM_001386166.1); c.7762C>T, p.Pro2588Ser (NM_001386174.1); c.7738C>T, p.Pro2580Ser (NM_001386175.1); c.4412-4584C>T (NM_001386186.2, NM_001386148.2); c.4214-4584C>T (NM_001354269.3); c.4292-4584C>T (NM_001386187.2); c.4253-4584C>T (NM_001386147.1); and 35 more; short protein forms P2463S, P2541S, P2588S, P1341S, P2580S.
Identifiers: ClinVar variation 4613576 (VCV004613576.1).
Genomic context (GRCh38, chr4:113,356,239, plus strand): 5'-AGTCTTGAGCAGACATCGCTCATGGAGAGCTCAGGGAAGAGCCCCCTTTCTCCTGACACC[C>T]CCAGCTCTGAAGAAGTCAGCTATGAGGTTACACCCAAAACCACAGATGTAAGTACACCAA-3'
Protein context (NP_001139.3, residues 2531-2551): SGKSPLSPDT[Pro2541Ser]SSEEVSYEVT

ClinVar aggregate classification (germline): Uncertain significance (1 of 4 stars; one submission).

Conditions:
Cardiovascular phenotype. Identifiers: MedGen CN230736.

gnomAD v4.1: 3 of 1,613,936 alleles (0.00019%); highest among the groups gnomAD compares: South Asian, 0.0011%; no homozygotes.

Submission:

Ambry Genetics
Classification: Uncertain significance for Cardiovascular phenotype. Last evaluated: 2025-12-07. Review status: criteria provided, single submitter. Criteria: Ambry Variant Classification Scheme 2023. Collection method: clinical testing. Allele origin: germline.
Comment: The p.P2541S variant (also known as c.7621C>T), located in coding exon 38 of the ANK2 gene, results from a C to T substitution at nucleotide position 7621. The proline at codon 2541 is replaced by serine, an amino acid with similar properties. This amino acid position is conserved. In addition, the in silico prediction for this alteration is inconclusive. Based on the available evidence, the clinical significance of this variant remains unclear.